The following is an entry in ClinVar:

ClinVar aggregate classification (germline): Uncertain significance (1 of 4 stars; one submission).

Conditions:
PIGU-related disorder. Also called: PIGU-related condition.

Allele frequency attached by ClinVar (database versions not stated): gnomAD exomes below 0.00001.
gnomAD v4.1: 2 of 1,614,006 alleles (0.00012%); highest among the groups gnomAD compares: East Asian, 0.0022%; no homozygotes.

Submission:

PreventionGenetics, part of Exact Sciences
Classification: Uncertain significance for PIGU-related condition. Last evaluated: 2022-12-01. Review status: criteria provided, single submitter. Criteria: ACMG Guidelines, 2015. Collection method: clinical testing. Allele origin: germline.
Comment: The PIGU c.985T>C variant is predicted to result in the amino acid substitution p.Tyr329His. To our knowledge, this variant has not been reported in the literature or in a large population database, indicating this variant is rare. At this time, the clinical significance of this variant is uncertain due to the absence of conclusive functional and genetic evidence.

NM_080476.5(PIGU):c.985T>C (p.Tyr329His)

Gene: PIGU (phosphatidylinositol glycan anchor biosynthesis class U; minus strand). Cytogenetic location: 20q11.22.
Variant type: single nucleotide variant.
Coding change: c.985T>C on transcript NM_080476.5 (MANE Select); coding-DNA position 985, T replaced by C.
Protein change: p.Tyr329His; replaces tyrosine 329 with histidine.
Molecular consequence: missense variant.
Genome position (GRCh38, 1-based): chr20:34,581,614, A>G on the plus strand (T>C on the coding strand, the complement: PIGU is on the minus strand). VCF-style: chr20-34581614-A-G. GRCh37 (hg19) VCF-style: chr20-33169418-A-G.
Other names: short protein forms Y329H.
Identifiers: ClinVar variation 2629020 (VCV002629020.1), dbSNP rs2516184414, ClinGen allele CA408666755.